The following is an entry in ClinVar:

NM_004725.4(BUB3):c.824A>G (p.Tyr275Cys)

Gene: BUB3 (BUB3 mitotic checkpoint protein; plus strand). Cytogenetic location: 10q26.13.
Variant type: single nucleotide variant.
Coding change: c.824A>G on transcript NM_004725.4 (MANE Select); coding-DNA position 824, A replaced by G.
Protein change: p.Tyr275Cys; replaces tyrosine 275 with cysteine.
Molecular consequence: missense variant.
Genome position (GRCh38, 1-based): chr10:123,162,681, A>G. VCF-style: chr10-123162681-A-G. GRCh37 (hg19) VCF-style: chr10-124922197-A-G.
Other names: c.824A>G, p.Tyr275Cys (NM_001007793.3); short protein forms Y275C.
Identifiers: ClinVar variation 1762615 (VCV001762615.3), dbSNP rs2493766863, ClinGen allele CA378626998.

ClinVar aggregate classification (germline): Uncertain significance (1 of 4 stars; one submission).

Submission:

Ambry Genetics
Classification: Uncertain significance. Last evaluated: 2024-06-08. Review status: criteria provided, single submitter. Criteria: Ambry Variant Classification Scheme 2023. Collection method: clinical testing. Allele origin: germline.
Comment: The p.Y275C variant (also known as c.824A>G), located in coding exon 6 of the BUB3 gene, results from an A to G substitution at nucleotide position 824. The tyrosine at codon 275 is replaced by cysteine, an amino acid with highly dissimilar properties. This amino acid position is conserved. In addition, this alteration is predicted to be deleterious by in silico analysis. Since supporting evidence is limited at this time, the clinical significance of this alteration remains unclear.